The following is an entry in ClinVar:

ClinVar aggregate classification (germline): Uncertain significance. Review status: criteria provided, multiple submitters, no conflicts (2 of 4 stars). 2 submissions from 2 submitters: Uncertain significance (2). Last evaluated 2025-12-30.

Conditions:
Palmoplantar keratoderma-esophageal carcinoma syndrome (TOC). Also called: Tylosis with Esophageal Cancer; KERATOSIS PALMARIS ET PLANTARIS WITH ESOPHAGEAL CANCER; PALMOPLANTAR KERATODERMA WITH ESOPHAGEAL CANCER. Identifiers: Orphanet 2198, MedGen C1835664, MONDO:0007856, OMIM 148500.

Allele frequency attached by ClinVar (database versions not stated): gnomAD 0.00003.
gnomAD v4.1: 37 of 1,613,060 alleles (0.0023%); highest among the groups gnomAD compares: African/African-American, 0.0094%; no homozygotes.

Submissions (2):

Labcorp Genetics (formerly Invitae), Labcorp
Classification: Uncertain significance. Last evaluated: 2025-12-30. Review status: criteria provided, single submitter. Criteria: Invitae Variant Classification Sherloc (09022015). Collection method: clinical testing. Allele origin: germline.
Comment: This sequence change replaces arginine, which is basic and polar, with cysteine, which is neutral and slightly polar, at codon 105 of the RHBDF2 protein (p.Arg105Cys). This variant is present in population databases (rs757808529, gnomAD 0.01%). This variant has not been reported in the literature in individuals affected with RHBDF2-related conditions. ClinVar contains an entry for this variant (Variation ID: 3240351). An algorithm developed to predict the effect of missense changes on protein structure and function (PolyPhen-2) suggests that this variant is likely to be disruptive. In summary, the available evidence is currently insufficient to determine the role of this variant in disease. Therefore, it has been classified as a Variant of Uncertain Significance.

Baylor Genetics
Classification: Uncertain significance for Palmoplantar keratoderma-esophageal carcinoma syndrome. Last evaluated: 2023-11-03. Review status: criteria provided, single submitter. Criteria: ACMG Guidelines, 2015. Collection method: clinical testing. Allele origin: unknown.

NM_001005498.4(RHBDF2):c.226C>T (p.Arg76Cys)

Gene: RHBDF2 (rhomboid 5 homolog 2; minus strand). Cytogenetic location: 17q25.1.
Variant type: single nucleotide variant.
Coding change: c.226C>T on transcript NM_001005498.4 (MANE Select); coding-DNA position 226, C replaced by T.
Protein change: p.Arg76Cys; replaces arginine 76 with cysteine.
Molecular consequence: missense variant. On other transcripts: non-coding transcript variant (3).
Genome position (GRCh38, 1-based): chr17:76,479,779, G>A on the plus strand (C>T on the coding strand, the complement: RHBDF2 is on the minus strand). VCF-style: chr17-76479779-G-A. GRCh37 (hg19) VCF-style: chr17-74475861-G-A.
Other names: c.226C>T, p.Arg76Cys (NM_001376228.1, NM_001376229.1, NM_001376230.1); c.313C>T, p.Arg105Cys (NM_024599.5); short protein forms R105C, R76C.
Identifiers: ClinVar variation 3240351 (VCV003240351.2), dbSNP rs757808529.